The following is an entry in ClinVar:

ClinVar aggregate classification (germline): Benign. Review status: criteria provided, multiple submitters, no conflicts (2 of 4 stars). 2 submissions from 2 submitters: Benign (2). Last evaluated 2018-06-19.

Allele frequency attached by ClinVar (database versions not stated): gnomAD 0.47957 and 0.48073; TOPMed 0.49325; 1000 Genomes Project 0.56270; 1000 Genomes Project 30x 0.56699.
gnomAD v4.1: 72,605 of 152,044 alleles (48%); highest among the groups gnomAD compares: African/African-American, 78%; 20,435 homozygotes.

Submissions (2):

GeneDx
Classification: Benign. Last evaluated: 2018-06-19. Review status: criteria provided, single submitter. Criteria: GeneDx Variant Classification (06012015). Collection method: clinical testing. Allele origin: germline. Affected: yes.
Comment: This variant is considered likely benign or benign based on one or more of the following criteria: it is a conservative change, it occurs at a poorly conserved position in the protein, it is predicted to be benign by multiple in silico algorithms, and/or has population frequency not consistent with disease.

Breakthrough Genomics
Classification: Benign. Review status: criteria provided, single submitter. Criteria: ACMG Guidelines, 2015. Collection method: not provided. Allele origin: germline. Inheritance: Autosomal recessive inheritance. Affected: yes.

NM_022916.6(VPS33A):c.102+154A>C

Gene: VPS33A (VPS33A core subunit of CORVET and HOPS complexes; minus strand). Cytogenetic location: 12q24.31.
Variant type: single nucleotide variant.
Coding change: c.102+154A>C on transcript NM_022916.6 (MANE Select); 154 bases into the intron after coding-DNA position 102, A replaced by C.
Molecular consequence: intron variant. On other transcripts: 5 prime UTR variant (2).
Genome position (GRCh38, 1-based): chr12:122,266,153, T>G on the plus strand (A>C on the coding strand, the complement: VPS33A is on the minus strand). VCF-style: chr12-122266153-T-G. GRCh37 (hg19) VCF-style: chr12-122750700-T-G.
Other names: c.-8A>C (NM_001351018.2); c.-105A>C (NM_001351019.2); c.102+154A>C (NM_001351020.2, NM_001351021.2).
Identifiers: ClinVar variation 684330 (VCV000684330.2), dbSNP rs2277332, ClinGen allele CA13656637.